The following is an entry in ClinVar:

ClinVar aggregate classification (germline): Uncertain significance. Review status: criteria provided, multiple submitters, no conflicts (2 of 4 stars). 2 submissions from 2 submitters: Uncertain significance (2). Last evaluated 2026-04-15.

Conditions:
Inborn genetic diseases. Identifiers: MedGen C0950123, MeSH D030342.

gnomAD v4.1: 7 of 1,609,988 alleles (0.00043%); highest among the groups gnomAD compares: Non-Finnish European, 0.00059%; no homozygotes.

Submissions (2):

Ambry Genetics
Classification: Uncertain significance for Inborn genetic diseases. Last evaluated: 2026-04-15. Review status: criteria provided, single submitter. Criteria: Ambry Variant Classification Scheme 2023. Collection method: clinical testing. Allele origin: germline.

Labcorp Genetics (formerly Invitae), Labcorp
Classification: Uncertain significance. Last evaluated: 2023-10-03. Review status: criteria provided, single submitter. Criteria: Invitae Variant Classification Sherloc (09022015). Collection method: clinical testing. Allele origin: germline.
Comment: This sequence change replaces isoleucine, which is neutral and non-polar, with methionine, which is neutral and non-polar, at codon 53 of the KIDINS220 protein (p.Ile53Met). This variant is not present in population databases (gnomAD no frequency). This variant has not been reported in the literature in individuals affected with KIDINS220-related conditions. ClinVar contains an entry for this variant (Variation ID: 1485706). An algorithm developed to predict the effect of missense changes on protein structure and function (PolyPhen-2) suggests that this variant is likely to be disruptive. In summary, the available evidence is currently insufficient to determine the role of this variant in disease. Therefore, it has been classified as a Variant of Uncertain Significance.

NM_020738.4(KIDINS220):c.159A>G (p.Ile53Met)

Gene: KIDINS220 (kinase D interacting substrate 220; minus strand). Cytogenetic location: 2p25.1.
Variant type: single nucleotide variant.
Coding change: c.159A>G on transcript NM_020738.4 (MANE Select); coding-DNA position 159, A replaced by G.
Protein change: p.Ile53Met; replaces isoleucine 53 with methionine.
Molecular consequence: missense variant. On other transcripts: non-coding transcript variant (2).
Genome position (GRCh38, 1-based): chr2:8,818,743, T>C on the plus strand (A>G on the coding strand, the complement: KIDINS220 is on the minus strand). VCF-style: chr2-8818743-T-C. GRCh37 (hg19) VCF-style: chr2-8958873-T-C.
Other names: c.159A>G (NM_020738.2); c.159A>G, p.Ile53Met (NM_001348740.2, NM_001348741.2, NM_001348742.2 and 9 more transcripts); c.33A>G, p.Ile11Met (NM_001348736.2); short protein forms I53M, I11M.
Identifiers: ClinVar variation 1485706 (VCV001485706.7), dbSNP rs2148401522, ClinGen allele CA345774884.